The following is an entry in ClinVar:

NM_001793.6(CDH3):c.809T>G (p.Phe270Cys)

Gene: CDH3 (cadherin 3; plus strand). Cytogenetic location: 16q22.1.
Variant type: single nucleotide variant.
Coding change: c.809T>G on transcript NM_001793.6 (MANE Select); coding-DNA position 809, T replaced by G.
Protein change: p.Phe270Cys; replaces phenylalanine 270 with cysteine.
Molecular consequence: missense variant.
Genome position (GRCh38, 1-based): chr16:68,679,916, T>G. VCF-style: chr16-68679916-T-G. GRCh37 (hg19) VCF-style: chr16-68713819-T-G.
Other names: c.809T>G, p.Phe270Cys (NM_001317195.3); c.644T>G, p.Phe215Cys (NM_001317196.2); short protein forms F270C, F215C.
Identifiers: ClinVar variation 2098337 (VCV002098337.4), dbSNP rs2543733060, ClinGen allele CA396450438.

ClinVar aggregate classification (germline): Uncertain significance (1 of 4 stars; one submission).

Allele frequency attached by ClinVar (database versions not stated): gnomAD exomes below 0.00001.

Submission:

Labcorp Genetics (formerly Invitae), Labcorp
Classification: Uncertain significance. Last evaluated: 2025-02-24. Review status: criteria provided, single submitter. Criteria: Invitae Variant Classification Sherloc (09022015). Collection method: clinical testing. Allele origin: germline.
Comment: This sequence change replaces phenylalanine, which is neutral and non-polar, with cysteine, which is neutral and slightly polar, at codon 270 of the CDH3 protein (p.Phe270Cys). This variant is not present in population databases (gnomAD no frequency). This variant has not been reported in the literature in individuals affected with CDH3-related conditions. ClinVar contains an entry for this variant (Variation ID: 2098337). Invitae Evidence Modeling of protein sequence and biophysical properties (such as structural, functional, and spatial information, amino acid conservation, physicochemical variation, residue mobility, and thermodynamic stability) indicates that this missense variant is expected to disrupt CDH3 protein function with a positive predictive value of 80%. In summary, the available evidence is currently insufficient to determine the role of this variant in disease. Therefore, it has been classified as a Variant of Uncertain Significance.